The following is an entry in ClinVar:

NM_020944.3(GBA2):c.1768G>A (p.Val590Ile)

Gene: GBA2 (glucosylceramidase beta 2; minus strand). Cytogenetic location: 9p13.3.
Variant type: single nucleotide variant.
Coding change: c.1768G>A on transcript NM_020944.3 (MANE Select); coding-DNA position 1768, G replaced by A.
Protein change: p.Val590Ile; replaces valine 590 with isoleucine.
Molecular consequence: missense variant.
Genome position (GRCh38, 1-based): chr9:35,739,029, C>T on the plus strand (G>A on the coding strand, the complement: GBA2 is on the minus strand). VCF-style: chr9-35739029-C-T. GRCh37 (hg19) VCF-style: chr9-35739026-C-T.
Other names: c.1768G>A (NM_020944.2); c.1768G>A, p.Val590Ile (NM_001330660.2); short protein forms V590I.
Identifiers: ClinVar variation 2049314 (VCV002049314.2), dbSNP rs377731521, ClinGen allele CA5050291.
Genomic context (GRCh38, chr9:35,739,029, plus strand): 5'-GGGAGGGAAGCTGACCTTGGGGTGGACTTTTACCTGGGTCCCCAATATCATGGGGGATGA[C>T]GTTCCTCCTTTTCACAGGTGCCATCACCCCACTCATCAGGTACCGTCGCCGTGTCAGGTC-3'
Protein context (NP_065995.1, residues 580-600): GVMAPVKRRN[Val590Ile]IPHDIGDPDD

ClinVar aggregate classification (germline): Uncertain significance. Review status: criteria provided, multiple submitters, no conflicts (2 of 4 stars). 2 submissions from 2 submitters: Uncertain significance (2). Last evaluated 2025-08-11.

Conditions:
Inborn genetic diseases. Identifiers: MedGen C0950123, MeSH D030342.
Spastic paraplegia. Identifiers: MedGen C0037772, HP:0001258.

Allele frequency attached by ClinVar (database versions not stated): ExAC 0.00001; gnomAD 0.00001; TOPMed 0.00003; ESP Exome Variant Server 0.00008.
gnomAD v4.1: 28 of 1,613,216 alleles (0.0017%); highest among the groups gnomAD compares: Non-Finnish European, 0.0023%; no homozygotes.

Submissions (2):

Ambry Genetics
Classification: Uncertain significance for Inborn genetic diseases. Last evaluated: 2025-08-11. Review status: criteria provided, single submitter. Criteria: Ambry Variant Classification Scheme 2023. Collection method: clinical testing. Allele origin: germline.

Labcorp Genetics (formerly Invitae), Labcorp
Classification: Uncertain significance for Spastic paraplegia. Last evaluated: 2021-08-24. Review status: criteria provided, single submitter. Criteria: Invitae Variant Classification Sherloc (09022015). Collection method: clinical testing. Allele origin: germline.
Comment: This sequence change replaces valine with isoleucine at codon 590 of the GBA2 protein (p.Val590Ile). The valine residue is moderately conserved and there is a small physicochemical difference between valine and isoleucine. This variant is present in population databases (rs377731521, ExAC 0.002%). This variant has not been reported in the literature in individuals affected with GBA2-related conditions. Algorithms developed to predict the effect of missense changes on protein structure and function are either unavailable or do not agree on the potential impact of this missense change (SIFT: "Tolerated"; PolyPhen-2: "Possibly Damaging"; Align-GVGD: "Class C0"). In summary, the available evidence is currently insufficient to determine the role of this variant in disease. Therefore, it has been classified as a Variant of Uncertain Significance.